The following continues an entry in ClinVar:

NM_173660.5(DOK7):c.1124_1127dup (p.Ala378fs)

Gene: DOK7. ClinVar aggregate classification (germline): Pathogenic. Pathogenic (35).

Submissions 35 to 38 of 38:

Neuberg Centre For Genomic Medicine, NCGM
Classification: Pathogenic for Congenital myasthenic syndrome 10. Review status: criteria provided, single submitter. Criteria: ACMG Guidelines, 2015. Collection method: clinical testing. Allele origin: germline. Inheritance: Autosomal recessive inheritance. Affected: yes.
Comment: The frameshift DOK7 (p.Ala378SerfsTer30) variant is one of the most commonly reported mutations among individuals affected with congenital myasthenic syndrome (Beeson D. et. al., 2006; Lashley D et. al., 2010). Experimental studies have shown that this variant affects the phosphorylation of MuSK and also affects the ability of DOK7 protein to produce properly formed AChR clusters (Beeson D. et. al., 2006; Skalak R. et. al., 1990). Additionally, a knock-in mouse model of this variant showed severe muscle weakness (Arimura S. et. al., 2014). This variant has been reported previously in heterozygous state in patients affected with Myasthenic syndrome, congenital,10 (Engel A. G. et. al., 2015; Beeson D. et. al., 2006). The p.Ala378SerfsTer30 variant is novel (not in any individuals) in 1000 Genomes and has an allele frequency of 0.08% in gnomAD database. This variant has been reported to the ClinVar database as Pathogenic. This variant causes a frameshift starting with codon Alanine 378, changes this amino acid to Serine residue, and creates a premature stop codon at position 30 of the new reading frame, denoted p.Ala378SerfsTer30. For these reasons, this variant has been classified as Pathogenic.

Solve-RD Consortium
Classification: Likely pathogenic for Fetal akinesia deformation sequence 3. Last evaluated: 2022-06-01. Review status: no assertion criteria provided. Collection method: provider interpretation. Allele origin: inherited. Affected: yes. Not counted in ClinVar's aggregate classification.
Comment: Variant confirmed as disease-causing by referring clinical team

Variant identified during reanalysis of unsolved cases by the Solve-RD project. The Solve-RD project has received funding from the European Union’s Horizon 2020 research and innovation programme under grant agreement No 779257.

OMIM
Classification: Pathogenic for MYASTHENIC SYNDROME, CONGENITAL, 10. Last evaluated: 2008-07-01. Review status: no assertion criteria provided. Collection method: literature only. Allele origin: germline. Not counted in ClinVar's aggregate classification.

GeneReviews
No classification provided. Condition: Congenital myasthenic syndrome. Review status: no classification provided. Collection method: literature only. Allele origin: germline. Affected: yes. Not counted in ClinVar's aggregate classification.

Literature cited by the submitters: PubMed 18165682 (cited by 4 submitters); PubMed 20458068 (cited by Dasa and Labcorp Genetics (formerly Invitae), Labcorp); PubMed 23790237 (cited by 3 submitters); PubMed 20012313 (cited by 3 submitters); PubMed 17452375 (cited by 3 submitters); PubMed 18626973 (cited by 6 submitters); PubMed 23219351 (cited by Dasa and Labcorp Genetics (formerly Invitae), Labcorp); PubMed 16917026 (cited by 9 submitters); PubMed 25237101 (cited by 3 submitters); PubMed 22661499 (cited by 3 submitters); PubMed 2261499 (cited by Labcorp Genetics (formerly Invitae), Labcorp); PubMed 19261599 (cited by Laboratory for Molecular Medicine, Mass General Brigham Personalized Medicine); PubMed 29054425 (cited by Victorian Clinical Genetics Services, Murdoch Childrens Research Institute); PubMed 19837590 (cited by Athena Diagnostics); PubMed 17439981 (cited by Athena Diagnostics); PubMed 20610155 (cited by Athena Diagnostics and Eurofins Ntd Llc (ga)); PubMed 20562457 (cited by Athena Diagnostics); PubMed 18161030 (cited by Athena Diagnostics); PubMed 26583494 (cited by Athena Diagnostics); PubMed 23657916 (cited by Athena Diagnostics and Ambry Genetics); PubMed 25033858 (cited by Athena Diagnostics); PubMed 27391121 (cited by Athena Diagnostics); PubMed 25326637 (cited by Athena Diagnostics); PubMed 20554332 (cited by Athena Diagnostics); PubMed 21041412 (cited by Ambry Genetics); PubMed 39825153 (cited by Solve-RD Consortium); PubMed 22230109 (cited by GeneReviews); NCBI Bookshelf NBK1168 (cited by GeneReviews).